The following is an entry in ClinVar:

ClinVar aggregate classification (germline): Uncertain significance. Review status: criteria provided, multiple submitters, no conflicts (2 of 4 stars). 2 submissions from 2 submitters: Uncertain significance (2). Last evaluated 2024-05-08.

Conditions:
Nephronophthisis. Also called: Juvenile Nephronophthisis. Identifiers: Orphanet 655, MedGen C0687120, MONDO:0019005, HP:0000090.
Renal-hepatic-pancreatic dysplasia 1 (RHPD1). Identifiers: MedGen C3715199, MONDO:0008833, OMIM 208540.
NPHP3-related Meckel-like syndrome. Also called: GOLDSTON SYNDROME; Meckel syndrome type 7. Identifiers: Orphanet 3032, MedGen C2673885, MONDO:0009966, OMIM 267010.
Nephronophthisis 3 (NPHP3). Also called: Adolescent nephronophthisis. Identifiers: Orphanet 655, MedGen C1858392, MONDO:0011456, OMIM 604387.

Submissions (2):

Fulgent Genetics
Classification: Uncertain significance for Renal-hepatic-pancreatic dysplasia 1; NPHP3-related Meckel-like syndrome; Nephronophthisis 3. Last evaluated: 2024-05-08. Review status: criteria provided, single submitter. Criteria: ACMG Guidelines, 2015. Collection method: clinical testing. Allele origin: germline.

Labcorp Genetics (formerly Invitae), Labcorp
Classification: Uncertain significance for Nephronophthisis. Last evaluated: 2024-01-15. Review status: criteria provided, single submitter. Criteria: Invitae Variant Classification Sherloc (09022015). Collection method: clinical testing. Allele origin: germline.
Comment: This sequence change replaces tyrosine, which is neutral and polar, with cysteine, which is neutral and slightly polar, at codon 1008 of the NPHP3 protein (p.Tyr1008Cys). This variant is not present in population databases (gnomAD no frequency). This variant has not been reported in the literature in individuals affected with NPHP3-related conditions. ClinVar contains an entry for this variant (Variation ID: 1063016). Advanced modeling of protein sequence and biophysical properties (such as structural, functional, and spatial information, amino acid conservation, physicochemical variation, residue mobility, and thermodynamic stability) has been performed at Invitae for this missense variant, however the output from this modeling did not meet the statistical confidence thresholds required to predict the impact of this variant on NPHP3 protein function. In summary, the available evidence is currently insufficient to determine the role of this variant in disease. Therefore, it has been classified as a Variant of Uncertain Significance.

NM_153240.5(NPHP3):c.3023A>G (p.Tyr1008Cys)

Genes: NPHP3 (nephrocystin 3; minus strand), NPHP3-ACAD11 (NPHP3-ACAD11 readthrough (NMD candidate); minus strand). Cytogenetic location: 3q22.1.
Variant type: single nucleotide variant.
Coding change: c.3023A>G on transcript NM_153240.5 (MANE Select); coding-DNA position 3023, A replaced by G.
Protein change: p.Tyr1008Cys; replaces tyrosine 1008 with cysteine.
Molecular consequence: missense variant. On other transcripts: non-coding transcript variant (1).
Genome position (GRCh38, 1-based): chr3:132,688,752, T>C on the plus strand (A>G on the coding strand, the complement: NPHP3 is on the minus strand). VCF-style: chr3-132688752-T-C. GRCh37 (hg19) VCF-style: chr3-132407596-T-C.
Other names: short protein forms Y1008C.
Identifiers: ClinVar variation 1063016 (VCV001063016.10), dbSNP rs2107967560, ClinGen allele CA354579949.
Genomic context (GRCh38, chr3:132,688,752, plus strand): 5'-CGAGCAGTATATGGATGGTCCGCACCATAAGCATTTTCTGAGATTTCCAACGCCTGTTTA[T>C]ACAGTTGTTCTGCATTGCCAAACTTCTTCCACTGCACGTATACACTTGCTAGTTGGTGGA-3'
Protein context (NP_694972.3, residues 998-1018): WKKFGNAEQL[Tyr1008Cys]KQALEISENA